The following is an entry in ClinVar:

ClinVar aggregate classification (germline): Uncertain significance (1 of 4 stars; one submission).

Conditions:
Hereditary hyperekplexia. Identifiers: Orphanet 3197, MedGen C4084968, MONDO:0021022.

gnomAD v4.1: 2 of 1,613,944 alleles (0.00012%); highest among the groups gnomAD compares: African/African-American, 0.0013%; no homozygotes.

Submission:

Labcorp Genetics (formerly Invitae), Labcorp
Classification: Uncertain significance for Hereditary hyperekplexia. Last evaluated: 2025-12-16. Review status: criteria provided, single submitter. Criteria: Invitae Variant Classification Sherloc (09022015). Collection method: clinical testing. Allele origin: germline.
Comment: This sequence change replaces proline, which is neutral and non-polar, with threonine, which is neutral and polar, at codon 258 of the GLRA1 protein (p.Pro258Thr). This variant is present in population databases (no rsID available, gnomAD 0.007%). This variant has not been reported in the literature in individuals affected with GLRA1-related conditions. Invitae Evidence Modeling of protein sequence and biophysical properties (such as structural, functional, and spatial information, amino acid conservation, physicochemical variation, residue mobility, and thermodynamic stability) indicates that this missense variant is expected to disrupt GLRA1 protein function with a positive predictive value of 80%. In summary, the available evidence is currently insufficient to determine the role of this variant in disease. Therefore, it has been classified as a Variant of Uncertain Significance.

NM_000171.4(GLRA1):c.772C>A (p.Pro258Thr)

Gene: GLRA1 (glycine receptor alpha 1; minus strand). Cytogenetic location: 5q33.1.
Variant type: single nucleotide variant.
Coding change: c.772C>A on transcript NM_000171.4 (MANE Select); coding-DNA position 772, C replaced by A.
Protein change: p.Pro258Thr; replaces proline 258 with threonine.
Molecular consequence: missense variant.
Genome position (GRCh38, 1-based): chr5:151,851,530, G>T on the plus strand (C>A on the coding strand, the complement: GLRA1 is on the minus strand). VCF-style: chr5-151851530-G-T. GRCh37 (hg19) VCF-style: chr5-151231091-G-T.
Other names: c.772C>A, p.Pro258Thr (NM_001146040.2); c.523C>A, p.Pro175Thr (NM_001292000.2); short protein forms P175T, P258T.
Identifiers: ClinVar variation 4777697 (VCV004777697.1).